The following is an entry in ClinVar:

NM_000388.4(CASR):c.2663C>T (p.Thr888Met)

Gene: CASR (calcium sensing receptor; plus strand). Cytogenetic location: 3q21.1.
Variant type: single nucleotide variant.
Coding change: c.2663C>T on transcript NM_000388.4 (MANE Select); coding-DNA position 2663, C replaced by T.
Protein change: p.Thr888Met; replaces threonine 888 with methionine.
Molecular consequence: missense variant.
Genome position (GRCh38, 1-based): chr3:122,284,617, C>T. VCF-style: chr3-122284617-C-T. GRCh37 (hg19) VCF-style: chr3-122003464-C-T.
Other names: c.2693C>T, p.Thr898Met (NM_001178065.2); short protein forms T898M, T888M.
Identifiers: ClinVar variation 2203426 (VCV002203426.5), dbSNP rs2473281236, ClinGen allele CA354160515.

ClinVar aggregate classification (germline): Conflicting classifications of pathogenicity. Review status: criteria provided, conflicting classifications (1 of 4 stars). 2 submissions from 2 submitters: Likely pathogenic (1); Uncertain significance (1). Last evaluated 2022-03-17.

Conditions:
CASR-related disorder. Also called: CASR-related condition.
Autosomal dominant hypocalcemia 1 (HYPOC1). Also called: HYPOCALCEMIA, FAMILIAL. Identifiers: MedGen C3715128, MONDO:0011013, OMIM 601198.
Familial hypocalciuric hypercalcemia (FHH). Also called: Familial benign hypercalcemia. Identifiers: Orphanet 405, MedGen C1809471, MONDO:0018458.

Allele frequency attached by ClinVar (database versions not stated): gnomAD exomes below 0.00001.
gnomAD v4.1: 2 of 1,614,094 alleles (0.00012%); highest among the groups gnomAD compares: Non-Finnish European, 0.00017%; no homozygotes.

Submissions (2):

Labcorp Genetics (formerly Invitae), Labcorp
Classification: Uncertain significance for Familial hypocalciuric hypercalcemia; Autosomal dominant hypocalcemia 1. Last evaluated: 2022-03-17. Review status: criteria provided, single submitter. Criteria: Invitae Variant Classification Sherloc (09022015). Collection method: clinical testing. Allele origin: germline.
Comment: This sequence change replaces threonine, which is neutral and polar, with methionine, which is neutral and non-polar, at codon 888 of the CASR protein (p.Thr888Met). This variant is not present in population databases (gnomAD no frequency). This missense change has been observed in individual(s) with hypocalcemia (PMID: 21135065). Algorithms developed to predict the effect of missense changes on protein structure and function (SIFT, PolyPhen-2, Align-GVGD) all suggest that this variant is likely to be disruptive. Experimental studies have shown that this missense change affects CASR function (PMID: 21135065). In summary, the available evidence is currently insufficient to determine the role of this variant in disease. Therefore, it has been classified as a Variant of Uncertain Significance.

Blueprint Genetics
Classification: Likely pathogenic for CASR-related disorders. Last evaluated: 2020-07-09. Review status: criteria provided, single submitter. Criteria: ACMG Guidelines, 2015. Collection method: clinical testing. Allele origin: germline. Affected: yes. Observed: 1 variant allele.

Literature cited by the submitters: PubMed 21135065 (cited by Labcorp Genetics (formerly Invitae), Labcorp).